The following is an entry in ClinVar:

ClinVar aggregate classification (germline): Uncertain significance (1 of 4 stars; one submission).

Conditions:
Inborn genetic diseases. Identifiers: MedGen C0950123, MeSH D030342.

Submission:

Ambry Genetics
Classification: Uncertain significance for Inborn genetic diseases. Last evaluated: 2026-03-30. Review status: criteria provided, single submitter. Criteria: Ambry Variant Classification Scheme 2023. Collection method: clinical testing. Allele origin: germline.
Comment: The p.V546M variant (also known as c.1636G>A), located in coding exon 11 of the MIB1 gene, results from a G to A substitution at nucleotide position 1636. The valine at codon 546 is replaced by methionine, an amino acid with highly similar properties. This amino acid position is conserved. In addition, this alteration is predicted to be deleterious by in silico analysis. Based on the available evidence, the clinical significance of this variant remains unclear.

NM_020774.4(MIB1):c.1636G>A (p.Val546Met)

Gene: MIB1 (MIB E3 ubiquitin protein ligase 1; plus strand). Cytogenetic location: 18q11.2.
Variant type: single nucleotide variant.
Coding change: c.1636G>A on transcript NM_020774.4 (MANE Select); coding-DNA position 1636, G replaced by A.
Protein change: p.Val546Met; replaces valine 546 with methionine.
Molecular consequence: missense variant.
Genome position (GRCh38, 1-based): chr18:21,815,772, G>A. VCF-style: chr18-21815772-G-A. GRCh37 (hg19) VCF-style: chr18-19395733-G-A.
Other names: short protein forms V546M.
Identifiers: ClinVar variation 4860023 (VCV004860023.1).